The following is an entry in ClinVar:

ClinVar aggregate classification (germline): Uncertain significance (1 of 4 stars; one submission).

Conditions:
Autosomal dominant nonsyndromic hearing loss 3B. Identifiers: Orphanet 90635, MedGen C2675237, MONDO:0012975, OMIM 612643.
Autosomal recessive nonsyndromic hearing loss 1A (DFNB1A). Also called: Connexin 26 deafness; Deafness nonsyndromic, Connexin 26 linked; GJB6-Related DFNB 1 Nonsyndromic Hearing Loss and Deafness; Deafness, autosomal recessive 1A; Nonsyndromic Hearing Loss and Deafness, DFNB1; GJB2-Related Autosomal Recessive Nonsyndromic Hearing Loss. Identifiers: Orphanet 90636, MedGen C2673759, MONDO:0009076, OMIM 220290.
Hidrotic ectodermal dysplasia syndrome (GJB6). Also called: CLOUSTON HIDROTIC ECTODERMAL DYSPLASIA; Ectodermal dysplasia 2, hidrotic; Autosomal dominant hidrotic ectodermal dysplasia; Clouston syndrome; Clouston's hidrotic ectodermal dysplasia; ECTODERMAL DYSPLASIA 2, CLOUSTON TYPE. Identifiers: Orphanet 189, MedGen C0162361, MONDO:0007510, OMIM 129500.
Autosomal recessive nonsyndromic hearing loss 1B. Also called: DEAFNESS, AUTOSOMAL RECESSIVE 1B. Identifiers: Orphanet 90636, MedGen C2675235, MONDO:0012977, OMIM 612645.

gnomAD v4.1: 10 of 1,611,504 alleles (0.00062%); highest among the groups gnomAD compares: South Asian, 0.0066%; no homozygotes.

Submission:

Labcorp Genetics (formerly Invitae), Labcorp
Classification: Uncertain significance for Autosomal dominant nonsyndromic hearing loss 3B; Hidrotic ectodermal dysplasia syndrome; Autosomal recessive nonsyndromic hearing loss 1B; Autosomal recessive nonsyndromic hearing loss 1A. Last evaluated: 2025-06-10. Review status: criteria provided, single submitter. Criteria: Invitae Variant Classification Sherloc (09022015). Collection method: clinical testing. Allele origin: germline.
Comment: This sequence change replaces arginine, which is basic and polar, with glutamine, which is neutral and polar, at codon 75 of the GJB6 protein (p.Arg75Gln). This variant is present in population databases (rs775911480, gnomAD 0.01%). This variant has not been reported in the literature in individuals affected with GJB6-related conditions. Invitae Evidence Modeling of protein sequence and biophysical properties (such as structural, functional, and spatial information, amino acid conservation, physicochemical variation, residue mobility, and thermodynamic stability) indicates that this missense variant is expected to disrupt GJB6 protein function with a positive predictive value of 80%. In summary, the available evidence is currently insufficient to determine the role of this variant in disease. Therefore, it has been classified as a Variant of Uncertain Significance.

NM_001110219.3(GJB6):c.224G>A (p.Arg75Gln)

Gene: GJB6 (gap junction protein beta 6; minus strand). Cytogenetic location: 13q12.11.
Variant type: single nucleotide variant.
Coding change: c.224G>A on transcript NM_001110219.3 (MANE Select); coding-DNA position 224, G replaced by A.
Protein change: p.Arg75Gln; replaces arginine 75 with glutamine.
Molecular consequence: missense variant.
Genome position (GRCh38, 1-based): chr13:20,223,257, C>T on the plus strand (G>A on the coding strand, the complement: GJB6 is on the minus strand). VCF-style: chr13-20223257-C-T. GRCh37 (hg19) VCF-style: chr13-20797396-C-T.
Other names: c.224G>A, p.Arg75Gln (NM_001110220.3, NM_001110221.3, NM_001370090.1 and 3 more transcripts); short protein forms R75Q.
Identifiers: ClinVar variation 4793855 (VCV004793855.1).